The following is an entry in ClinVar:

ClinVar aggregate classification (germline): Uncertain significance (1 of 4 stars; one submission).

Conditions:
Fanconi anemia complementation group J. Also called: BRIP1-Related Fanconi Anemia. Identifiers: Orphanet 84, MedGen C1836860, MONDO:0012187, OMIM 609054.
Familial cancer of breast. Also called: hereditary breast carcinoma; Hereditary breast cancer; BREAST CANCER, FAMILIAL. Identifiers: Orphanet 227535, MedGen C0346153, MONDO:0016419, OMIM 114480. Disease mechanism: loss of function.

Submission:

Labcorp Genetics (formerly Invitae), Labcorp
Classification: Uncertain significance for Familial cancer of breast; Fanconi anemia complementation group J. Last evaluated: 2020-11-13. Review status: criteria provided, single submitter. Criteria: Invitae Variant Classification Sherloc (09022015). Collection method: clinical testing. Allele origin: germline.
Comment: This sequence change replaces asparagine with lysine at codon 590 of the BRIP1 protein (p.Asn590Lys). The asparagine residue is moderately conserved and there is a moderate physicochemical difference between asparagine and lysine. This variant is not present in population databases (ExAC no frequency). This variant has not been reported in the literature in individuals with BRIP1-related conditions. Algorithms developed to predict the effect of missense changes on protein structure and function are either unavailable or do not agree on the potential impact of this missense change (SIFT: "Tolerated"; PolyPhen-2: "Probably Damaging"; Align-GVGD: "Class C0"). In summary, the available evidence is currently insufficient to determine the role of this variant in disease. Therefore, it has been classified as a Variant of Uncertain Significance.

NM_032043.3(BRIP1):c.1770C>G (p.Asn590Lys)

Gene: BRIP1 (BRCA1 interacting DNA helicase 1; minus strand). Cytogenetic location: 17q23.2.
Variant type: single nucleotide variant.
Coding change: c.1770C>G on transcript NM_032043.3 (MANE Select); coding-DNA position 1770, C replaced by G.
Protein change: p.Asn590Lys; replaces asparagine 590 with lysine.
Molecular consequence: missense variant.
Genome position (GRCh38, 1-based): chr17:61,780,864, G>C on the plus strand (C>G on the coding strand, the complement: BRIP1 is on the minus strand). VCF-style: chr17-61780864-G-C. GRCh37 (hg19) VCF-style: chr17-59858225-G-C.
Other names: short protein forms N590K.
Identifiers: ClinVar variation 1499102 (VCV001499102.9), dbSNP rs2077606990, ClinGen allele CA400480293.
Genomic context (GRCh38, chr17:61,780,864, plus strand): 5'-AAGAAGACAAAATTTCCATTTACATGATGAGCTTACCACAGCTGGATTTAAGCACCAAAA[G>C]TTTAGCACATGAACTGCAGTTTTCTGTCGTGAACGTTTCTTATTTTTTGGTAGAACCAAC-3'
Protein context (NP_114432.2, residues 580-600): SRQKTAVHVL[Asn590Lys]FWCLNPAVAF